The following is an entry in ClinVar:

ClinVar aggregate classification (germline): Uncertain significance. Review status: criteria provided, multiple submitters, no conflicts (2 of 4 stars). 2 submissions from 2 submitters: Uncertain significance (2). Last evaluated 2024-05-20.

Conditions:
Klippel-Feil anomaly-myopathy-facial dysmorphism syndrome. Also called: Klippel-feil syndrome 4, autosomal recessive, with nemaline myopathy and facial dysmorphism; Klippel-Feil syndrome 4, autosomal recessive, with myopathy and facial dysmorphism. Identifiers: Orphanet 447974, MedGen C4225285, MONDO:0014689, OMIM 616549.

Allele frequency attached by ClinVar (database versions not stated): gnomAD 0.00001; TOPMed 0.00001; gnomAD exomes 0.00003; ExAC 0.00004; 1000 Genomes Project 30x 0.00016; 1000 Genomes Project 0.00020.
gnomAD v4.1: 31 of 1,613,918 alleles (0.0019%); highest among the groups gnomAD compares: South Asian, 0.0099%; no homozygotes.

Submissions (2):

Labcorp Genetics (formerly Invitae), Labcorp
Classification: Uncertain significance. Last evaluated: 2024-05-20. Review status: criteria provided, single submitter. Criteria: Invitae Variant Classification Sherloc (09022015). Collection method: clinical testing. Allele origin: germline.
Comment: This sequence change replaces alanine, which is neutral and non-polar, with valine, which is neutral and non-polar, at codon 2534 of the MYO18B protein (p.Ala2534Val). This variant is present in population databases (rs532589500, gnomAD 0.01%). This variant has not been reported in the literature in individuals affected with MYO18B-related conditions. ClinVar contains an entry for this variant (Variation ID: 1521245). An algorithm developed to predict the effect of missense changes on protein structure and function (PolyPhen-2) suggests that this variant¬†is likely to be tolerated. In summary, the available evidence is currently insufficient to determine the role of this variant in disease. Therefore, it has been classified as a Variant of Uncertain Significance.

Revvity Omics, Revvity
Classification: Uncertain significance for Klippel-Feil anomaly-myopathy-facial dysmorphism syndrome. Last evaluated: 2023-07-25. Review status: criteria provided, single submitter. Criteria: ACMG Guidelines, 2015. Collection method: clinical testing. Allele origin: germline.

NM_032608.7(MYO18B):c.7601C>T (p.Ala2534Val)

Gene: MYO18B (myosin XVIIIB; plus strand). Cytogenetic location: 22q12.1.
Variant type: single nucleotide variant.
Coding change: c.7601C>T on transcript NM_032608.7 (MANE Select); coding-DNA position 7601, C replaced by T.
Protein change: p.Ala2534Val; replaces alanine 2534 with valine.
Molecular consequence: missense variant.
Genome position (GRCh38, 1-based): chr22:26,027,575, C>T. VCF-style: chr22-26027575-C-T. GRCh37 (hg19) VCF-style: chr22-26423541-C-T.
Other names: c.7604C>T, p.Ala2535Val (NM_001318245.2); short protein forms A2534V, A2535V.
Identifiers: ClinVar variation 1521245 (VCV001521245.7), dbSNP rs532589500, ClinGen allele CA10161817.